The following is an entry in ClinVar:

NM_004373.4(COX6A1):c.3G>A (p.Met1Ile)

Gene: COX6A1 (cytochrome c oxidase subunit 6A1; plus strand). Cytogenetic location: 12q24.31.
Variant type: single nucleotide variant.
Coding change: c.3G>A on transcript NM_004373.4 (MANE Select); coding-DNA position 3, G replaced by A.
Protein change: p.Met1Ile; changes the start codon (methionine 1).
Molecular consequence: missense variant, initiator codon variant.
Genome position (GRCh38, 1-based): chr12:120,438,129, G>A. VCF-style: chr12-120438129-G-A. GRCh37 (hg19) VCF-style: chr12-120875932-G-A.
Other names: short protein forms M1I.
Identifiers: ClinVar variation 1371971 (VCV001371971.6), dbSNP rs1343217330, ClinGen allele CA386567789.
Genomic context (GRCh38, chr12:120,438,129, plus strand): 5'-CGCCCCCAGAGCCAATTTTCCACTTCCGCTTCCGGCGCTGCGGCAGTCCAGATCAAAAAT[G>A]GCGGTAGTTGGTGTGTCCTCGGTTTCTCGGCTGCTGGGTCGGTCCCGCCCACAGCTGGGG-3'
Protein context (NP_004364.2, residues 1-11): [Met1Ile]AVVGVSSVSR

ClinVar aggregate classification (germline): Uncertain significance (1 of 4 stars; one submission).

Submission:

Labcorp Genetics (formerly Invitae), Labcorp
Classification: Uncertain significance. Last evaluated: 2021-09-26. Review status: criteria provided, single submitter. Criteria: Invitae Variant Classification Sherloc (09022015). Collection method: clinical testing. Allele origin: germline.
Comment: In summary, the available evidence is currently insufficient to determine the role of this variant in disease. Therefore, it has been classified as a Variant of Uncertain Significance. This variant has not been reported in the literature in individuals affected with COX6A1-related conditions. This variant is not present in population databases (ExAC no frequency). This sequence change affects the initiator methionine of the COX6A1 mRNA. The next in-frame methionine is located at codon 24.